The following is an entry in ClinVar:

NM_000352.6(ABCC8):c.2267A>G (p.Glu756Gly)

Gene: ABCC8 (ATP binding cassette subfamily C member 8; minus strand). Cytogenetic location: 11p15.1.
Variant type: single nucleotide variant.
Coding change: c.2267A>G on transcript NM_000352.6 (MANE Select); coding-DNA position 2267, A replaced by G.
Protein change: p.Glu756Gly; replaces glutamic acid 756 with glycine.
Molecular consequence: missense variant. On other transcripts: non-coding transcript variant (1).
Genome position (GRCh38, 1-based): chr11:17,415,328, T>C on the plus strand (A>G on the coding strand, the complement: ABCC8 is on the minus strand). VCF-style: chr11-17415328-T-C. GRCh37 (hg19) VCF-style: chr11-17436875-T-C.
Other names: c.2270A>G, p.Glu757Gly (NM_001287174.3); c.2333A>G, p.Glu778Gly (NM_001351295.2); c.2267A>G, p.Glu756Gly (NM_001351296.2); c.2264A>G, p.Glu755Gly (NM_001351297.2); short protein forms E756G, E778G, E757G, E755G.
Identifiers: ClinVar variation 2760074 (VCV002760074.3), dbSNP rs766784319, ClinGen allele CA379810899.

ClinVar aggregate classification (germline): Uncertain significance (1 of 4 stars; one submission).

Allele frequency attached by ClinVar (database versions not stated): TOPMed below 0.00001.
gnomAD v4.1: 1 of 1,610,762 alleles (0.000062%); highest among the groups gnomAD compares: Non-Finnish European, 0.000085%; no homozygotes.

Submission:

Labcorp Genetics (formerly Invitae), Labcorp
Classification: Uncertain significance. Last evaluated: 2025-01-01. Review status: criteria provided, single submitter. Criteria: Invitae Variant Classification Sherloc (09022015). Collection method: clinical testing. Allele origin: germline.
Comment: This sequence change replaces glutamic acid, which is acidic and polar, with glycine, which is neutral and non-polar, at codon 756 of the ABCC8 protein (p.Glu756Gly). This variant is not present in population databases (gnomAD no frequency). This variant has not been reported in the literature in individuals affected with ABCC8-related conditions. ClinVar contains an entry for this variant (Variation ID: 2760074). Invitae Evidence Modeling of protein sequence and biophysical properties (such as structural, functional, and spatial information, amino acid conservation, physicochemical variation, residue mobility, and thermodynamic stability) has been performed for this missense variant. However, the output from this modeling did not meet the statistical confidence thresholds required to predict the impact of this variant on ABCC8 protein function. In summary, the available evidence is currently insufficient to determine the role of this variant in disease. Therefore, it has been classified as a Variant of Uncertain Significance.